The following is an entry in ClinVar:

NM_172240.3(POC1B):c.1300C>G (p.His434Asp)

Genes: POC1B (POC1 centriolar protein B; minus strand), POC1B-DUSP6 (POC1B-DUSP6 readthrough; minus strand). Cytogenetic location: 12q21.33.
Variant type: single nucleotide variant.
Coding change: c.1300C>G on transcript NM_172240.3 (MANE Select); coding-DNA position 1300, C replaced by G.
Protein change: p.His434Asp; replaces histidine 434 with aspartic acid.
Molecular consequence: missense variant. On other transcripts: non-coding transcript variant (2).
Genome position (GRCh38, 1-based): chr12:89,425,193, G>C on the plus strand (C>G on the coding strand, the complement: POC1B is on the minus strand). VCF-style: chr12-89425193-G-C. GRCh37 (hg19) VCF-style: chr12-89818970-G-C.
Other names: c.1174C>G, p.His392Asp (NM_001199777.2); short protein forms H392D, H434D.
Identifiers: ClinVar variation 1997013 (VCV001997013.4), dbSNP rs762984182, ClinGen allele CA6714211.

ClinVar aggregate classification (germline): Uncertain significance (1 of 4 stars; one submission).

Allele frequency attached by ClinVar (database versions not stated): gnomAD exomes below 0.00001; ExAC 0.00001.

Submission:

Labcorp Genetics (formerly Invitae), Labcorp
Classification: Uncertain significance. Last evaluated: 2022-07-14. Review status: criteria provided, single submitter. Criteria: Invitae Variant Classification Sherloc (09022015). Collection method: clinical testing. Allele origin: germline.
Comment: In summary, the available evidence is currently insufficient to determine the role of this variant in disease. Therefore, it has been classified as a Variant of Uncertain Significance. Algorithms developed to predict the effect of sequence changes on RNA splicing suggest that this variant may create or strengthen a splice site. Algorithms developed to predict the effect of missense changes on protein structure and function (SIFT, PolyPhen-2, Align-GVGD) all suggest that this variant is likely to be tolerated. This variant has not been reported in the literature in individuals affected with POC1B-related conditions. This variant is present in population databases (rs762984182, gnomAD 0.006%). This sequence change replaces histidine, which is basic and polar, with aspartic acid, which is acidic and polar, at codon 434 of the POC1B protein (p.His434Asp).